The following is an entry in ClinVar:

NM_004006.3(DMD):c.8713C>T (p.Arg2905Ter)

Gene: DMD (dystrophin; minus strand). Cytogenetic location: Xp21.2.
Variant type: single nucleotide variant.
Coding change: c.8713C>T on transcript NM_004006.3 (MANE Select); coding-DNA position 8713, C replaced by T.
Protein change: p.Arg2905Ter; replaces arginine 2905 with a stop codon.
Molecular consequence: nonsense.
Genome position (GRCh38, 1-based): chrX:31,478,330, G>A on the plus strand (C>T on the coding strand, the complement: DMD is on the minus strand). VCF-style: chrX-31478330-G-A. GRCh37 (hg19) VCF-style: chrX-31496447-G-A.
Other names: NP_003997.1:p.Arg2905*; c.8689C>T, p.Arg2897Ter (NM_000109.4); c.8701C>T, p.Arg2901Ter (NM_004009.3); c.8344C>T, p.Arg2782Ter (NM_004010.3); c.4690C>T, p.Arg1564Ter (NM_004011.4); c.4681C>T, p.Arg1561Ter (NM_004012.4); c.1333C>T, p.Arg445Ter (NM_004013.3, NM_004020.4, NM_004021.3 and 2 more transcripts); c.526C>T, p.Arg176Ter (NM_004014.3); short protein forms R2905*, R1561*, R2897*, R445*, R1564*, R176*, R2782*, R2901*.
Identifiers: ClinVar variation 11288 (VCV000011288.24), dbSNP rs128627256, ClinGen allele CA273082.

ClinVar aggregate classification (germline): Pathogenic. Review status: criteria provided, multiple submitters, no conflicts (2 of 4 stars). 11 submissions from 11 submitters: Pathogenic (10). 1 of the submissions does not count toward it. Last evaluated 2026-07-15.

Conditions:
DMD-related disorder. Also called: DMD-related condition.
Cardiovascular phenotype. Identifiers: MedGen CN230736.
Becker muscular dystrophy (BMD). Also called: MUSCULAR DYSTROPHY, PSEUDOHYPERTROPHIC PROGRESSIVE, BECKER TYPE; Becker Muscular Dystrophy (BMD). Identifiers: Orphanet 98895, MedGen C0917713, MONDO:0010311, OMIM 300376.
Dilated cardiomyopathy 3B (CMD3B). Also called: CMD3B: DMD-Related Dilated Cardiomyopathy; CARDIOMYOPATHY, DILATED, X-LINKED; DMD-Associated Dilated Cardiomyopathy. Identifiers: Orphanet 154, MedGen C3668940, MONDO:0010542, OMIM 302045.
Duchenne muscular dystrophy (DMD). Also called: Duchenne Muscular Dystrophy (DMD); MUSCULAR DYSTROPHY, PSEUDOHYPERTROPHIC PROGRESSIVE, DUCHENNE TYPE. Identifiers: Orphanet 98896, MedGen C0013264, MONDO:0010679, OMIM 310200.

Allele frequency attached by ClinVar (database versions not stated): ExAC below 0.00001.

Submissions (11):

Ambry Genetics
Classification: Pathogenic for Cardiovascular phenotype. Last evaluated: 2026-07-15. Review status: criteria provided, single submitter. Criteria: Ambry Variant Classification Scheme 2023. Collection method: clinical testing. Allele origin: germline.
Comment: The p.R2905* pathogenic mutation (also known as c.8713C>T), located in coding exon 59 of the DMD gene, results from a C to T substitution at nucleotide position 8713. This changes the amino acid from an arginine to a stop codon within coding exon 59. This variant was reported in individual(s) with features consistent with DMD-related dystrophinopathy (Finkel RS et al. PLoS One, 2013 Dec;8:e81302; Juan-Mateu J et al. PLoS One, 2013 Mar;8:e59916; Balicza P et al. Front Genet, 2019 May;10:434; Torella A et al. PLoS One, 2020 Aug;15:e0237803; Tang F et al. BMC Med Genomics, 2023 May;16:121; Amr K et al. J Genet Eng Biotechnol, 2024 Dec;22:100436). Note, this variant is also referred to as NM_004009.3:c.8701C>T, p. Arg2901Ter in the literature. This variant is considered to be rare based on population cohorts in the Genome Aggregation Database (gnomAD). This alteration is expected to result in loss of function by premature protein truncation or nonsense-mediated mRNA decay. As such, this alteration is interpreted as a disease-causing mutation.

Revvity Omics, Revvity
Classification: Pathogenic. Last evaluated: 2025-01-27. Review status: criteria provided, single submitter. Criteria: ACMG Guidelines, 2015. Collection method: clinical testing. Allele origin: germline.

Labcorp Genetics (formerly Invitae), Labcorp
Classification: Pathogenic for Duchenne muscular dystrophy. Last evaluated: 2024-09-19. Review status: criteria provided, single submitter. Criteria: Invitae Variant Classification Sherloc (09022015). Collection method: clinical testing. Allele origin: germline.
Comment: This sequence change creates a premature translational stop signal (p.Arg2905*) in the DMD gene. It is expected to result in an absent or disrupted protein product. Loss-of-function variants in DMD are known to be pathogenic (PMID: 16770791, 25007885). This variant is not present in population databases (gnomAD no frequency). This premature translational stop signal has been observed in individuals with DMD-related disease (PMID: 23536893, 23756440, 24349052, 25612904). ClinVar contains an entry for this variant (Variation ID: 11288). For these reasons, this variant has been classified as Pathogenic.

3billion
Classification: Pathogenic for Duchenne muscular dystrophy. Last evaluated: 2023-12-04. Review status: criteria provided, single submitter. Criteria: ACMG Guidelines, 2015. Collection method: clinical testing. Allele origin: germline. Affected: yes.
Comment: The variant is not observed in the gnomAD v2.1.1 dataset. Predicted Consequence/Location: Stop-gained (nonsense): predicted to result in a loss or disruption of normal protein function through nonsense-mediated decay (NMD) or protein truncation. Multiple pathogenic variants are reported downstream of the variant. The variant has been reported at least twice as pathogenic with clinical assertions and evidence for the classification (ClinVar ID: VCV000011288 /PMID: 7611292). Therefore, this variant is classified as Pathogenic according to the recommendation of ACMG/AMP guideline.

GeneDx
Classification: Pathogenic. Last evaluated: 2018-07-18. Review status: criteria provided, single submitter. Criteria: GeneDx Variant Classification (06012015). Collection method: clinical testing. Allele origin: germline. Affected: yes.
Comment: The R2905X variant has been reported previously in association with dystrophinopathy, most often with Duchenne muscular dystrophy (Hwa et al., 2008; Flanigan et al., 2009; Li et al., 2015). This variant is predicted to cause loss of normal protein function either through protein truncation or nonsense-mediated mRNA decay. The R2905X variant is not observed in large population cohorts (Lek et al., 2016). Additionally, this nonsense variant may qualify for nonsense read-through therapy.

Blueprint Genetics
Classification: Pathogenic for DMD-related disorders. Last evaluated: 2018-02-26. Review status: criteria provided, single submitter. Criteria: ACMG Guidelines, 2015. Collection method: clinical testing. Allele origin: germline. Affected: yes. Observed: 1 variant allele.

Eurofins Ntd Llc (ga)
Classification: Pathogenic. Last evaluated: 2017-12-04. Review status: criteria provided, single submitter. Criteria: EGL Classification Definitions 2015. Collection method: clinical testing. Allele origin: germline. Observed: 7 variant alleles, 1 homozygote, 6 hemizygotes.

Fulgent Genetics
Classification: Pathogenic for Becker muscular dystrophy; Dilated cardiomyopathy 3B; Duchenne muscular dystrophy. Last evaluated: 2017-05-18. Review status: criteria provided, single submitter. Criteria: ACMG Guidelines, 2015. Collection method: clinical testing. Allele origin: unknown.

Athena Diagnostics
Classification: Pathogenic for Duchenne muscular dystrophy. Last evaluated: 2015-06-11. Review status: criteria provided, single submitter. Criteria: Athena Diagnostics Criteria. Collection method: clinical testing. Allele origin: germline. Inheritance: X-linked recessive inheritance.
Comment: X-linked recessive inheritance

Genomic Diagnostics Laboratory, National Institute of Medical Genomics
Classification: Pathogenic for Duchenne muscular dystrophy. Review status: criteria provided, single submitter. Criteria: ACMG Guidelines, 2015. Collection method: research. Allele origin: germline. Affected: yes.

OMIM
Classification: Pathogenic for DUCHENNE MUSCULAR DYSTROPHY. Last evaluated: 2005-02-01. Review status: no assertion criteria provided. Collection method: literature only. Allele origin: germline. Not counted in ClinVar's aggregate classification.

Literature cited by the submitters: PubMed 23536893 (cited by Ambry Genetics and Labcorp Genetics (formerly Invitae), Labcorp); PubMed 24349052 (cited by 3 submitters); PubMed 31134136 (cited by Ambry Genetics); PubMed 32813700 (cited by Ambry Genetics); PubMed 37254189 (cited by Ambry Genetics); PubMed 39674649 (cited by Ambry Genetics); PubMed 7611292 (cited by 4 submitters); PubMed 16770791 (cited by Labcorp Genetics (formerly Invitae), Labcorp); PubMed 25007885 (cited by Labcorp Genetics (formerly Invitae), Labcorp); PubMed 23756440 (cited by Labcorp Genetics (formerly Invitae), Labcorp and Athena Diagnostics); PubMed 25612904 (cited by Labcorp Genetics (formerly Invitae), Labcorp); PubMed 19530190 (cited by Athena Diagnostics); PubMed 15643612 (cited by OMIM).